The following is an entry in ClinVar:

ClinVar aggregate classification (germline): Likely pathogenic (1 of 4 stars; one submission).

Submission:

Labcorp Genetics (formerly Invitae), Labcorp
Classification: Likely pathogenic. Last evaluated: 2022-08-31. Review status: criteria provided, single submitter. Criteria: Invitae Variant Classification Sherloc (09022015). Collection method: clinical testing. Allele origin: germline.
Comment: In summary, the currently available evidence indicates that the variant is pathogenic, but additional data are needed to prove that conclusively. Therefore, this variant has been classified as Likely Pathogenic. Algorithms developed to predict the effect of sequence changes on RNA splicing suggest that this variant may disrupt the consensus splice site. ClinVar contains an entry for this variant (Variation ID: 1348541). This variant has not been reported in the literature in individuals affected with NDUFV1-related conditions. This variant is not present in population databases (gnomAD no frequency). This sequence change affects a donor splice site in intron 4 of the NDUFV1 gene. It is expected to disrupt RNA splicing. Variants that disrupt the donor or acceptor splice site typically lead to a loss of protein function (PMID: 16199547), and loss-of-function variants in NDUFV1 are known to be pathogenic (PMID: 10080174, 11349233).

Literature cited by the submitters: PubMed 16199547; PubMed 10080174; PubMed 11349233.

NM_007103.4(NDUFV1):c.510+1G>T

Gene: NDUFV1 (NADH:ubiquinone oxidoreductase core subunit V1; plus strand). Cytogenetic location: 11q13.2.
Variant type: single nucleotide variant.
Coding change: c.510+1G>T on transcript NM_007103.4 (MANE Select); the canonical splice donor site of the intron after coding-DNA position 510, G replaced by T.
Molecular consequence: splice donor variant.
Genome position (GRCh38, 1-based): chr11:67,609,636, G>T. VCF-style: chr11-67609636-G-T. GRCh37 (hg19) VCF-style: chr11-67377107-G-T.
Other names: c.483+1G>T (NM_001166102.2).
Identifiers: ClinVar variation 1348541 (VCV001348541.6), dbSNP rs1222228141, ClinGen allele CA381536248.